The following is an entry in ClinVar:

NM_152309.3(PIK3AP1):c.767G>A (p.Cys256Tyr)

Gene: PIK3AP1 (phosphoinositide-3-kinase adaptor protein 1; minus strand). Cytogenetic location: 10q24.1.
Variant type: single nucleotide variant.
Coding change: c.767G>A on transcript NM_152309.3 (MANE Select); coding-DNA position 767, G replaced by A.
Protein change: p.Cys256Tyr; replaces cysteine 256 with tyrosine.
Molecular consequence: missense variant.
Genome position (GRCh38, 1-based): chr10:96,651,597, C>T on the plus strand (G>A on the coding strand, the complement: PIK3AP1 is on the minus strand). VCF-style: chr10-96651597-C-T. GRCh37 (hg19) VCF-style: chr10-98411354-C-T.
Other names: short protein forms C256Y.
Identifiers: ClinVar variation 474931 (VCV000474931.14), dbSNP rs141221035, ClinGen allele CA5626454.

ClinVar aggregate classification (germline): Benign. Review status: criteria provided, single submitter (1 of 4 stars). 2 submissions from 2 submitters: Benign (1). 1 of the submissions does not count toward it. Last evaluated 2026-01-24.

Conditions:
PIK3AP1-related disorder. Also called: PIK3AP1-related condition.
Infantile spasms. Also called: Infantile spasm. Identifiers: MedGen C3887898, HP:0012469.

Allele frequency attached by ClinVar (database versions not stated): gnomAD exomes 0.00039; ExAC 0.00053; ESP Exome Variant Server 0.00131; 1000 Genomes Project 0.00160; gnomAD 0.00164 and 0.00177; TOPMed 0.00169; 1000 Genomes Project 30x 0.00187.
gnomAD v4.1: 470 of 1,614,168 alleles (0.029%); highest among the groups gnomAD compares: African/African-American, 0.56%; 1 homozygote.

Submissions (2):

Labcorp Genetics (formerly Invitae), Labcorp
Classification: Benign for Infantile spasms. Last evaluated: 2026-01-24. Review status: criteria provided, single submitter. Criteria: Invitae Variant Classification Sherloc (09022015). Collection method: clinical testing. Allele origin: germline.

PreventionGenetics, part of Exact Sciences
Classification: Likely benign for PIK3AP1-related condition. Last evaluated: 2019-07-16. Review status: no assertion criteria provided. Collection method: clinical testing. Allele origin: germline. Not counted in ClinVar's aggregate classification.
Comment: This variant is classified as likely benign based on ACMG/AMP sequence variant interpretation guidelines (Richards et al. 2015 PMID: 25741868, with internal and published modifications).